The following is an entry in ClinVar:

NM_001365951.3(KIF1B):c.4550G>A (p.Arg1517Lys)

Gene: KIF1B (kinesin family member 1B; plus strand). Cytogenetic location: 1p36.22.
Variant type: single nucleotide variant.
Coding change: c.4550G>A on transcript NM_001365951.3 (MANE Select); coding-DNA position 4550, G replaced by A.
Protein change: p.Arg1517Lys; replaces arginine 1517 with lysine.
Molecular consequence: missense variant.
Genome position (GRCh38, 1-based): chr1:10,365,446, G>A. VCF-style: chr1-10365446-G-A. GRCh37 (hg19) VCF-style: chr1-10425504-G-A.
Other names: c.4550G>A, p.Arg1517Lys (NM_001365952.1); c.4412G>A, p.Arg1471Lys (NM_015074.3); short protein forms R1517K, R1471K.
Identifiers: ClinVar variation 4043083 (VCV004043083.1).

ClinVar aggregate classification (germline): Uncertain significance (1 of 4 stars; one submission).

gnomAD v4.1: 4 of 1,614,146 alleles (0.00025%); highest among the groups gnomAD compares: Non-Finnish European, 0.00034%; no homozygotes.

Submission:

Ambry Genetics
Classification: Uncertain significance. Last evaluated: 2025-03-26. Review status: criteria provided, single submitter. Criteria: Ambry Variant Classification Scheme 2023. Collection method: clinical testing. Allele origin: germline.
Comment: The p.R1471K variant (also known as c.4412G>A), located in coding exon 40 of the KIF1B gene, results from a G to A substitution at nucleotide position 4412. The arginine at codon 1471 is replaced by lysine, an amino acid with highly similar properties. This amino acid position is conserved. In addition, this alteration is predicted to be tolerated by in silico analysis. Based on the available evidence, the clinical significance of this variant remains unclear.